The following is an entry in ClinVar:

NM_005045.4(RELN):c.9103G>A (p.Gly3035Arg)

Genes: SLC26A5-AS1 (SLC26A5 antisense RNA 1; plus strand), RELN (reelin; minus strand). Cytogenetic location: 7q22.1.
Variant type: single nucleotide variant.
Coding change: c.9103G>A on transcript NM_005045.4 (MANE Select); coding-DNA position 9103, G replaced by A.
Protein change: p.Gly3035Arg; replaces glycine 3035 with arginine.
Molecular consequence: missense variant.
Genome position (GRCh38, 1-based): chr7:103,496,616, C>T on the plus strand (G>A on the coding strand, the complement: RELN is on the minus strand). VCF-style: chr7-103496616-C-T. GRCh37 (hg19) VCF-style: chr7-103137063-C-T.
Other names: c.9103G>A, p.Gly3035Arg (NM_173054.3); short protein forms G3035R.
Identifiers: ClinVar variation 4790015 (VCV004790015.1).
Genomic context (GRCh38, chr7:103,496,616, plus strand): 5'-GATTGATTTCTGCTCCACCAATCAAAATGTTGTCCAGTGCCCACTGAGCACGCTCCACCC[C>T]AGAGACCACAATTCCATTGCTGATCACAAAAGGCTGCCACCAGCGAAGTCGAGTTGTGTT-3'
Protein context (NP_005036.2, residues 3025-3045): FVISNGIVVS[Gly3035Arg]VERAQWALDN

ClinVar aggregate classification (germline): Uncertain significance (1 of 4 stars; one submission).

Conditions:
Norman-Roberts syndrome (LIS2). Also called: Lissencephaly 2 (Norman-Roberts type). Identifiers: Orphanet 89844, MedGen C0796089, MONDO:0009760, OMIM 257320.
Familial temporal lobe epilepsy 7. Identifiers: Orphanet 101046, MedGen C4225327, MONDO:0014639, OMIM 616436.

Submission:

Labcorp Genetics (formerly Invitae), Labcorp
Classification: Uncertain significance for Familial temporal lobe epilepsy 7; Norman-Roberts syndrome. Last evaluated: 2026-01-26. Review status: criteria provided, single submitter. Criteria: Invitae Variant Classification Sherloc (09022015). Collection method: clinical testing. Allele origin: germline.
Comment: This sequence change replaces glycine, which is neutral and non-polar, with arginine, which is basic and polar, at codon 3035 of the RELN protein (p.Gly3035Arg). This variant is not present in population databases (gnomAD no frequency). This variant has not been reported in the literature in individuals affected with RELN-related conditions. Invitae Evidence Modeling of protein sequence and biophysical properties (such as structural, functional, and spatial information, amino acid conservation, physicochemical variation, residue mobility, and thermodynamic stability) indicates that this missense variant is not expected to disrupt RELN protein function with a negative predictive value of 80%. In summary, the available evidence is currently insufficient to determine the role of this variant in disease. Therefore, it has been classified as a Variant of Uncertain Significance.